The following is an entry in ClinVar:

NM_001111125.3(IQSEC2):c.235G>A (p.Ala79Thr)

Gene: IQSEC2 (IQ motif and Sec7 domain ArfGEF 2; minus strand). Cytogenetic location: Xp11.22.
Variant type: single nucleotide variant.
Coding change: c.235G>A on transcript NM_001111125.3 (MANE Select); coding-DNA position 235, G replaced by A.
Protein change: p.Ala79Thr; replaces alanine 79 with threonine.
Molecular consequence: missense variant.
Genome position (GRCh38, 1-based): chrX:53,320,889, C>T on the plus strand (G>A on the coding strand, the complement: IQSEC2 is on the minus strand). VCF-style: chrX-53320889-C-T. GRCh37 (hg19) VCF-style: chrX-53350087-C-T.
Other names: short protein forms A79T.
Identifiers: ClinVar variation 1693059 (VCV001693059.2), dbSNP rs2146551860, ClinGen allele CA413239807.
Genomic context (GRCh38, chrX:53,320,889, plus strand): 5'-GGTGGAACTGGGTCTCGCGCAGGTTCTGGTACTGGCTCTCGCGGCCCGGGCTATCCCGCG[C>T]GCCGTGGGGGTCCCGGTGCAGCTCCCCGCGGTGCAGCTGGCTCTCCTCTCGCAGGTCGCG-3'
Protein context (NP_001104595.1, residues 69-89): RGELHRDPHG[Ala79Thr]RDSPGRESQY

ClinVar aggregate classification (germline): Uncertain significance (1 of 4 stars; one submission).

gnomAD v4.1: 1 of 1,165,064 alleles (0.000086%); no homozygotes.

Submission:

GeneDx
Classification: Uncertain significance. Last evaluated: 2021-12-23. Review status: criteria provided, single submitter. Criteria: GeneDx Variant Classification Process June 2021. Collection method: clinical testing. Allele origin: germline. Affected: yes.
Comment: Not observed at significant frequency in large population cohorts (gnomAD); In silico analysis supports that this missense variant does not alter protein structure/function; Has not been previously published as pathogenic or benign to our knowledge